The following is an entry in ClinVar:

ClinVar aggregate classification (germline): Uncertain significance. Review status: criteria provided, multiple submitters, no conflicts (2 of 4 stars). 2 submissions from 2 submitters: Uncertain significance (2). Last evaluated 2022-05-04.

Conditions:
Cenani-Lenz syndactyly syndrome. Also called: SYNDACTYLY, TYPE VII; CENANI SYNDACTYLISM. Identifiers: Orphanet 3258, MedGen C1859309, MONDO:0008931, OMIM 212780.
Sclerosteosis 2 (SOST2). Identifiers: Orphanet 3152, MedGen C3280402, MONDO:0013679, OMIM 614305.
Congenital myasthenic syndrome 17. Identifiers: Orphanet 590, MedGen C4225377, MONDO:0014578, OMIM 616304.

Submissions (2):

Mendelics
Classification: Uncertain significance. Last evaluated: 2022-05-04. Review status: criteria provided, single submitter. Criteria: Mendelics Assertion Criteria 2019. Collection method: clinical testing. Allele origin: germline.

Labcorp Genetics (formerly Invitae), Labcorp
Classification: Uncertain significance for Cenani-Lenz syndactyly syndrome; Sclerosteosis 2; Congenital myasthenic syndrome 17. Last evaluated: 2021-09-21. Review status: criteria provided, single submitter. Criteria: Invitae Variant Classification Sherloc (09022015). Collection method: clinical testing. Allele origin: germline.
Comment: This variant is not present in population databases (ExAC no frequency). This variant has not been reported in the literature in individuals affected with LRP4-related conditions. Algorithms developed to predict the effect of missense changes on protein structure and function are either unavailable or do not agree on the potential impact of this missense change (SIFT: "Deleterious"; PolyPhen-2: "Benign"; Align-GVGD: "Class C45"). In summary, the available evidence is currently insufficient to determine the role of this variant in disease. Therefore, it has been classified as a Variant of Uncertain Significance. This sequence change replaces isoleucine with asparagine at codon 1493 of the LRP4 protein (p.Ile1493Asn). The isoleucine residue is highly conserved and there is a large physicochemical difference between isoleucine and asparagine.

NM_002334.4(LRP4):c.4478T>A (p.Ile1493Asn)

Genes: LRP4-AS1 (LRP4 antisense RNA 1; plus strand), LRP4 (LDL receptor related protein 4; minus strand). Cytogenetic location: 11p11.2.
Variant type: single nucleotide variant.
Coding change: c.4478T>A on transcript NM_002334.4 (MANE Select); coding-DNA position 4478, T replaced by A.
Protein change: p.Ile1493Asn; replaces isoleucine 1493 with asparagine.
Molecular consequence: missense variant. On other transcripts: non-coding transcript variant (1).
Genome position (GRCh38, 1-based): chr11:46,873,205, A>T on the plus strand (T>A on the coding strand, the complement: LRP4 is on the minus strand). VCF-style: chr11-46873205-A-T. GRCh37 (hg19) VCF-style: chr11-46894756-A-T.
Other names: short protein forms I1493N.
Identifiers: ClinVar variation 1450755 (VCV001450755.7), dbSNP rs1451422777, ClinGen allele CA380267695.